The following is an entry in ClinVar:

ClinVar aggregate classification (germline): Uncertain significance. Review status: criteria provided, multiple submitters, no conflicts (2 of 4 stars). 2 submissions from 2 submitters: Uncertain significance (2). Last evaluated 2022-06-10.

Conditions:
Hereditary cancer-predisposing syndrome. Also called: Hereditary neoplastic syndrome; Neoplastic Syndromes, Hereditary; Hereditary Cancer Syndrome; Tumor predisposition. Identifiers: Orphanet 140162, MedGen C0027672, MeSH D009386, MONDO:0015356.
Bloom syndrome (BLM). Also called: Bloom-Torre-Machacek syndrome. Identifiers: Orphanet 125, MedGen C0005859, MONDO:0008876, OMIM 210900.

Allele frequency attached by ClinVar (database versions not stated): gnomAD 0.00001; TOPMed 0.00001.

Submissions (2):

Ambry Genetics
Classification: Uncertain significance for Hereditary cancer-predisposing syndrome. Last evaluated: 2022-06-10. Review status: criteria provided, single submitter. Criteria: Ambry Variant Classification Scheme 2023. Collection method: clinical testing. Allele origin: germline.
Comment: The p.E1212D variant (also known as c.3636A>C), located in coding exon 18 of the BLM gene, results from an A to C substitution at nucleotide position 3636. The glutamic acid at codon 1212 is replaced by aspartic acid, an amino acid with highly similar properties. This amino acid position is conserved. In addition, this alteration is predicted to be tolerated by in silico analysis. Since supporting evidence is limited at this time, the clinical significance of this alteration remains unclear.

Labcorp Genetics (formerly Invitae), Labcorp
Classification: Uncertain significance for Bloom syndrome. Last evaluated: 2021-08-28. Review status: criteria provided, single submitter. Criteria: Invitae Variant Classification Sherloc (09022015). Collection method: clinical testing. Allele origin: germline.
Comment: This sequence change replaces glutamic acid with aspartic acid at codon 1212 of the BLM protein (p.Glu1212Asp). The glutamic acid residue is moderately conserved and there is a small physicochemical difference between glutamic acid and aspartic acid. This variant is not present in population databases (ExAC no frequency). This variant has not been reported in the literature in individuals affected with BLM-related conditions. Algorithms developed to predict the effect of missense changes on protein structure and function (SIFT, PolyPhen-2, Align-GVGD) all suggest that this variant is likely to be tolerated. In summary, the available evidence is currently insufficient to determine the role of this variant in disease. Therefore, it has been classified as a Variant of Uncertain Significance.

NM_000057.4(BLM):c.3636A>C (p.Glu1212Asp)

Gene: BLM (BLM RecQ like helicase; plus strand). Cytogenetic location: 15q26.1.
Variant type: single nucleotide variant.
Coding change: c.3636A>C on transcript NM_000057.4 (MANE Select); coding-DNA position 3636, A replaced by C.
Protein change: p.Glu1212Asp; replaces glutamic acid 1212 with aspartic acid.
Molecular consequence: missense variant. On other transcripts: intron variant (1).
Genome position (GRCh38, 1-based): chr15:90,804,244, A>C. VCF-style: chr15-90804244-A-C. GRCh37 (hg19) VCF-style: chr15-91347474-A-C.
Other names: c.3636A>C, p.Glu1212Asp (NM_001287246.2); c.2511A>C, p.Glu837Asp (NM_001287248.2); c.3359-4893A>C (NM_001287247.2); short protein forms E1212D, E837D.
Identifiers: ClinVar variation 1485292 (VCV001485292.7), dbSNP rs1897234564, ClinGen allele CA393848053.
Genomic context (GRCh38, chr15:90,804,244, plus strand): 5'-AGAAAATTCCAGCAGTGTGAAAAAACAAAAAGCGTTAGTAGCAAAAGTGTCTCAGAGGGA[A>C]GAGATGGTTAAAAAATGTCTTGGAGAACTTACAGAAGTCTGCAAATCTCTGGGGAAAGTT-3'
Protein context (NP_000048.1, residues 1202-1222): KALVAKVSQR[Glu1212Asp]EMVKKCLGEL